The following is an entry in ClinVar:

ClinVar aggregate classification (germline): Uncertain significance (1 of 4 stars; one submission).

Submission:

Ambry Genetics
Classification: Uncertain significance. Last evaluated: 2021-10-27. Review status: criteria provided, single submitter. Criteria: Ambry Variant Classification Scheme 2023. Collection method: clinical testing. Allele origin: germline.
Comment: The p.H1333Q variant (also known as c.3999C>G), located in coding exon 17 of the NPAT gene, results from a C to G substitution at nucleotide position 3999. The histidine at codon 1333 is replaced by glutamine, an amino acid with highly similar properties. This amino acid position is conserved. In addition, the in silico prediction for this alteration is inconclusive. Since supporting evidence is limited at this time, the clinical significance of this alteration remains unclear.

NM_002519.3(NPAT):c.3999C>G (p.His1333Gln)

Gene: NPAT (nuclear protein, coactivator of histone transcription; minus strand). Cytogenetic location: 11q22.3.
Variant type: single nucleotide variant.
Coding change: c.3999C>G on transcript NM_002519.3 (MANE Select); coding-DNA position 3999, C replaced by G.
Protein change: p.His1333Gln; replaces histidine 1333 with glutamine.
Molecular consequence: missense variant.
Genome position (GRCh38, 1-based): chr11:108,161,087, G>C on the plus strand (C>G on the coding strand, the complement: NPAT is on the minus strand). VCF-style: chr11-108161087-G-C. GRCh37 (hg19) VCF-style: chr11-108031814-G-C.
Other names: c.4020C>G, p.His1340Gln (NM_001321307.1); short protein forms H1340Q, H1333Q.
Identifiers: ClinVar variation 1736811 (VCV001736811.2), dbSNP rs2077842816, ClinGen allele CA382509583.
Genomic context (GRCh38, chr11:108,161,087, plus strand): 5'-TTTCAGAGGAGTTGCTGAAGTAGTCCTAGAAATGGCTGCCCTGGAGAGAATCATTAATGT[G>C]TGGGCAGCCATATTTACACTGTTTTCACTTCCTGTTTCACTGGCAGGGCTGCAGGCAGGC-3'
Protein context (NP_002510.2, residues 1323-1343): GSENSVNMAA[His1333Gln]TLMILSRAAI